The following is an entry in ClinVar:

NM_001110556.2(FLNA):c.4916C>T (p.Thr1639Ile)

Gene: FLNA (filamin A; minus strand). Cytogenetic location: Xq28.
Variant type: single nucleotide variant.
Coding change: c.4916C>T on transcript NM_001110556.2 (MANE Select); coding-DNA position 4916, C replaced by T.
Protein change: p.Thr1639Ile; replaces threonine 1639 with isoleucine.
Molecular consequence: missense variant.
Genome position (GRCh38, 1-based): chrX:154,357,463, G>A on the plus strand (C>T on the coding strand, the complement: FLNA is on the minus strand). VCF-style: chrX-154357463-G-A. GRCh37 (hg19) VCF-style: chrX-153585831-G-A.
Other names: c.4916C>T, p.Thr1639Ile (NM_001456.4); short protein forms T1639I.
Identifiers: ClinVar variation 839798 (VCV000839798.10), dbSNP rs2067671701, ClinGen allele CA415213331.

ClinVar aggregate classification (germline): Uncertain significance (1 of 4 stars; one submission).

Conditions:
Heterotopia, periventricular, X-linked dominant (PVNH1). Also called: PERIVENTRICULAR NODULAR HETEROTOPIA 1; X-linked periventricular heterotopia; PERIVENTRICULAR NODULAR HETEROTOPIA 4; HETEROTOPIA, PERIVENTRICULAR, 1. Identifiers: Orphanet 2149, Orphanet 82004, MedGen C1848213, MONDO:0010233, OMIM 300049.
Oto-palato-digital syndrome, type II (OPD2). Also called: OPD II SYNDROME; FACIOPALATOOSSEOUS SYNDROME; Otopalatodigital Syndrome Type 2 (FLNA-OPD2); Otopalatodigital Syndrome, Type II. Identifiers: Orphanet 669, Orphanet 90652, MedGen C1844696, MONDO:0010571, OMIM 304120.
Frontometaphyseal dysplasia (FMD1). Identifiers: Orphanet 1826, MedGen C0265293, MONDO:0015942.
Melnick-Needles syndrome (MNS). Also called: MELNICK-NEEDLES OSTEODYSPLASTY; OSTEODYSPLASTY OF MELNICK AND NEEDLES; Melnick-Needles Syndrome (FLNA-MNS). Identifiers: Orphanet 2484, MedGen C0025237, MONDO:0010650, OMIM 309350.

Submission:

Labcorp Genetics (formerly Invitae), Labcorp
Classification: Uncertain significance for Oto-palato-digital syndrome, type II; Heterotopia, periventricular, X-linked dominant; Frontometaphyseal dysplasia; Melnick-Needles syndrome. Last evaluated: 2019-02-18. Review status: criteria provided, single submitter. Criteria: Invitae Variant Classification Sherloc (09022015). Collection method: clinical testing. Allele origin: germline.
Comment: In summary, the available evidence is currently insufficient to determine the role of this variant in disease. Therefore, it has been classified as a Variant of Uncertain Significance. Algorithms developed to predict the effect of missense changes on protein structure and function are either unavailable or do not agree on the potential impact of this missense change (SIFT: "Deleterious"; PolyPhen-2: "Benign"; Align-GVGD: "Class C65"). This variant has not been reported in the literature in individuals with FLNA-related conditions. This variant is not present in population databases (ExAC no frequency). This sequence change replaces threonine with isoleucine at codon 1639 of the FLNA protein (p.Thr1639Ile). The threonine residue is highly conserved and there is a moderate physicochemical difference between threonine and isoleucine.